The following is an entry in ClinVar:

NM_000038.6(APC):c.1096G>A (p.Asp366Asn)

Gene: APC (APC regulator of Wnt signaling pathway; plus strand). Cytogenetic location: 5q22.2.
Variant type: single nucleotide variant.
Coding change: c.1096G>A on transcript NM_000038.6 (MANE Select); coding-DNA position 1096, G replaced by A.
Protein change: p.Asp366Asn; replaces aspartic acid 366 with asparagine.
Molecular consequence: missense variant. On other transcripts: intron variant (4).
Genome position (GRCh38, 1-based): chr5:112,819,128, G>A. VCF-style: chr5-112819128-G-A. GRCh37 (hg19) VCF-style: chr5-112154825-G-A.
Other names: c.1096G>A, p.Asp366Asn (NM_001127510.3, NM_001354895.2, NM_001354896.2); c.1042G>A, p.Asp348Asn (NM_001127511.3); c.1126G>A, p.Asp376Asn (NM_001354897.2); c.1021G>A, p.Asp341Asn (NM_001354898.2); c.1012G>A, p.Asp338Asn (NM_001354899.2); c.919G>A, p.Asp307Asn (NM_001354900.2, NM_001354901.2); c.247G>A, p.Asp83Asn (NM_001354906.2); c.964-141G>A (NM_001354902.2); and 3 more; short protein forms D348N, D366N, D307N, D338N, D341N, D83N, D376N.
Identifiers: ClinVar variation 411351 (VCV000411351.23), dbSNP rs199562537, ClinGen allele CA026688.

ClinVar aggregate classification (germline): Conflicting classifications of pathogenicity. Review status: criteria provided, conflicting classifications (1 of 4 stars). 7 submissions from 7 submitters: Uncertain significance (6); Likely benign (1). Last evaluated 2025-10-29.

Conditions:
Hereditary cancer-predisposing syndrome. Also called: Tumor predisposition; Hereditary Cancer Syndrome; Hereditary neoplastic syndrome; Neoplastic Syndromes, Hereditary. Identifiers: Orphanet 140162, MedGen C0027672, MeSH D009386, MONDO:0015356.
Familial adenomatous polyposis 1 (FAP1). Also called: FAMILIAL ADENOMATOUS POLYPOSIS 1, ATTENUATED; POLYPOSIS, ADENOMATOUS INTESTINAL. Identifiers: MedGen C2713442, MONDO:0021056, OMIM 175100. Disease mechanism: loss of function.
Classic or attenuated familial adenomatous polyposis. Identifiers: MedGen CN372698, MONDO:0021057.

Allele frequency attached by ClinVar (database versions not stated): gnomAD exomes below 0.00001 and 0.00001; ExAC 0.00002; TOPMed 0.00004; 1000 Genomes Project 30x 0.00016; 1000 Genomes Project 0.00020.
gnomAD v4.1: 7 of 1,614,068 alleles (0.00043%); highest among the groups gnomAD compares: African/African-American, 0.0093%; no homozygotes.

Submissions (7):

Labcorp Genetics (formerly Invitae), Labcorp
Classification: Uncertain significance for Familial adenomatous polyposis 1. Last evaluated: 2025-10-29. Review status: criteria provided, single submitter. Criteria: Invitae Variant Classification Sherloc (09022015). Collection method: clinical testing. Allele origin: germline.
Comment: This sequence change replaces aspartic acid, which is acidic and polar, with asparagine, which is neutral and polar, at codon 366 of the APC protein (p.Asp366Asn). This variant is present in population databases (rs199562537, gnomAD 0.01%). This missense change has been observed in individual(s) with colorectal cancer (PMID: 28944238). ClinVar contains an entry for this variant (Variation ID: 411351). Invitae Evidence Modeling of protein sequence and biophysical properties (such as structural, functional, and spatial information, amino acid conservation, physicochemical variation, residue mobility, and thermodynamic stability) indicates that this missense variant is not expected to disrupt APC protein function with a negative predictive value of 95%. In summary, the available evidence is currently insufficient to determine the role of this variant in disease. Therefore, it has been classified as a Variant of Uncertain Significance.

Quest Diagnostics Nichols Institute San Juan Capistrano
Classification: Uncertain significance. Last evaluated: 2024-06-05. Review status: criteria provided, single submitter. Criteria: Quest Diagnostics criteria. Collection method: clinical testing. Allele origin: unknown.
Comment: The APC c.1096G>A (p.Asp366Asn) variant has been reported in the published literature in two individuals with colorectal cancer (CRC) (PMID: 28944238 (2017)). The frequency of this variant in the general population, 0.00012 (3/24966 chromosomes in African/African American subpopulation (Genome Aggregation Database)), is higher than would generally be expected for pathogenic variants in this gene. Analysis of this variant using bioinformatics tools for the prediction of the effect of amino acid changes on protein structure and function yielded conflicting predictions that this variant is deleterious or benign. Based on the available information, we are unable to determine the clinical significance of this variant.

All of Us Research Program, National Institutes of Health
Classification: Uncertain significance for Classic or attenuated familial adenomatous polyposis. Last evaluated: 2023-11-30. Review status: criteria provided, single submitter. Criteria: ACMG Guidelines, 2015. Collection method: clinical testing. Allele origin: germline. Inheritance: Autosomal dominant inheritance. Observed: 2 variant alleles, 2 heterozygotes.
Comment: This missense variant replaces aspartic acid with asparagine at codon 366 of the APC protein. Computational prediction suggests that this variant may not impact protein structure and function (internally defined REVEL score threshold <= 0.5, PMID: 27666373). Splice site prediction tools suggest that this variant may not impact RNA splicing. To our knowledge, functional studies have not been performed for this variant. This variant has not been reported in individuals affected with hereditary cancer in the literature. This variant has been identified in 3/282344 chromosomes in the general population by the Genome Aggregation Database (gnomAD). The available evidence is insufficient to determine the role of this variant in disease conclusively. Therefore, this variant is classified as a Variant of Uncertain Significance.

This study involves interpretation of variants in research participants for the purpose of population health screening. Participant phenotype was not available at the time of variant classification. Additional details can be found in publication PMID: 35346344, PMCID: PMC8962531

Ambry Genetics
Classification: Likely benign for Hereditary cancer-predisposing syndrome. Last evaluated: 2023-08-10. Review status: criteria provided, single submitter. Criteria: Ambry Variant Classification Scheme 2023. Collection method: clinical testing. Allele origin: germline.

Color Diagnostics, LLC DBA Color Health
Classification: Uncertain significance for Hereditary cancer-predisposing syndrome. Last evaluated: 2023-03-23. Review status: criteria provided, single submitter. Criteria: ACMG Guidelines, 2015. Collection method: clinical testing. Allele origin: germline.
Comment: This missense variant replaces aspartic acid with asparagine at codon 366 of the APC protein. Computational prediction suggests that this variant may not impact protein structure and function (internally defined REVEL score threshold <= 0.5, PMID: 27666373). To our knowledge, functional studies have not been reported for this variant. This variant has been reported in an individual affected with colorectal cancer (PMID: 28944238). This variant has been identified in 3/282344 chromosomes in the general population by the Genome Aggregation Database (gnomAD). The available evidence is insufficient to determine the role of this variant in disease conclusively. Therefore, this variant is classified as a Variant of Uncertain Significance.

GeneDx
Classification: Uncertain significance. Last evaluated: 2022-12-15. Review status: criteria provided, single submitter. Criteria: GeneDx Variant Classification Process June 2021. Collection method: clinical testing. Allele origin: germline. Affected: yes.
Comment: Not observed at significant frequency in large population cohorts (gnomAD); In silico analysis supports that this missense variant does not alter protein structure/function; Observed in a patient with colorectal cancer (DeRycke et al., 2017); This variant is associated with the following publications: (PMID: 28944238)

Sema4
Classification: Uncertain significance for Hereditary cancer-predisposing syndrome. Last evaluated: 2021-12-05. Review status: criteria provided, single submitter. Criteria: Sema4 Curation Guidelines. Collection method: curation. Allele origin: germline.
Comment: The APC, c.1096G>A (p.D366N), variant has been reported in 2 individuals with colorectal cancer (PMID 28944238). It was observed in 3/24966 chromosomes of the African/African American subpopulation in the large and broad cohorts of the Genome Aggregation Database (PMID: 32461654). This variant has been reported in ClinVar (Variation ID 411351). Functional studies have not been performed, and in silico predictions of the variant's effect on protein function are inconclusive. The overall evidence is insufficient to meet ACMG/AMP criteria for classifying it as benign or pathogenic. In summary, the clinical significance of this variant is currently uncertain.

Literature cited by the submitters: PubMed 28944238 (cited by 4 submitters).